The following is an entry in ClinVar:

NM_000133.4(F9):c.391+5_391+8del

Gene: F9 (coagulation factor IX; plus strand). Cytogenetic location: Xq27.1.
Variant type: Microsatellite.
Coding change: c.391+5_391+8del on transcript NM_000133.4 (MANE Select); bases 5 to 8 of the intron after coding-DNA position 391, 4 bases deleted (GTAA; older notation c.391+5_391+8delGTAA).
Molecular consequence: splice donor variant. On other transcripts: intron variant (1).
Genome position (GRCh38, 1-based): chrX:139,541,194-139,541,197, GTAA deleted; deleting any 4 consecutive bases within chrX:139,541,190-139,541,197 gives the same sequence; the c. name uses the placement nearest the transcript's 3' end. VCF-style (leftmost placement, unchanged base first): chrX-139541189-GGTAA-G. GRCh37 (hg19) VCF-style: chrX-138623348-GGTAA-G.
Other names: c.277+3808_277+3811del (NM_001313913.2).
Identifiers: ClinVar variation 1684371 (VCV001684371.1), dbSNP rs1927593812, ClinGen allele CA2461405501.

ClinVar aggregate classification (germline): Likely pathogenic (0 of 4 stars; one submission).

Conditions:
Hereditary factor IX deficiency disease (HEMB). Also called: F9 DEFICIENCY; FACTOR IX DEFICIENCY; PLASMA THROMBOPLASTIN COMPONENT DEFICIENCY; Hemophilia B; Christmas Disease. Identifiers: Orphanet 98879, MedGen C0008533, MeSH D002836, MONDO:0010604, OMIM 306900.

Submission:

ISTH-SSC Genomics in Thrombosis and Hemostasis, KU Leuven, Center for Molecular and Vascular Biology
Classification: Likely pathogenic for Hereditary factor IX deficiency disease. Review status: no assertion criteria provided. Collection method: research. Allele origin: unknown. Affected: yes.
Comment: Submitted to GoldVariant by Dr Karyn Mégy from NIHR Bioresource - Cambridge University, UK